The following is an entry in ClinVar:

NM_015214.3(DDHD2):c.1901delinsTCTGTGGCAGTTAA (p.Thr634delinsIleCysGlySerTer)

Gene: DDHD2 (DDHD domain containing 2; plus strand). Cytogenetic location: 8p11.23.
Variant type: Indel.
Coding change: c.1901delinsTCTGTGGCAGTTAA on transcript NM_015214.3 (MANE Select); coding-DNA position 1901, C replaced by TCTGTGGCAGTTAA.
Protein change: p.Thr634delinsIleCysGlySerTer.
Molecular consequence: nonsense. On other transcripts: non-coding transcript variant (2).
Genome position (GRCh38, 1-based): chr8:38,253,565, C replaced by TCTGTGGCAGTTAA. VCF-style: chr8-38253565-C-TCTGTGGCAGTTAA. GRCh37 (hg19) VCF-style: chr8-38111083-C-TCTGTGGCAGTTAA.
Other names: c.1901delinsTCTGTGGCAGTTAA, p.Thr634delinsIleCysGlySerTer (NM_001164232.2, NM_001362911.2, NM_001362912.2 and 1 more transcripts); c.1811delinsTCTGTGGCAGTTAA, p.Thr604delinsIleCysGlySerTer (NM_001362913.2).
Identifiers: ClinVar variation 2439662 (VCV002439662.4), dbSNP rs2486999855, ClinGen allele CA2580078240.

ClinVar aggregate classification (germline): Likely pathogenic. Review status: criteria provided, multiple submitters, no conflicts (2 of 4 stars). 2 submissions from 2 submitters: Likely pathogenic (2). Last evaluated 2025-05-01.

Conditions:
Hereditary spastic paraplegia 54. Also called: Spastic paraplegia 54, autosomal recessive. Identifiers: Orphanet 320380, MedGen C3539495, MONDO:0014018, OMIM 615033.

Submissions (2):

First Genomix Gene Laboratory, Genetic Diagnostics Department
Classification: Likely pathogenic for Hereditary spastic paraplegia 54. Last evaluated: 2025-05-01. Review status: criteria provided, single submitter. Criteria: ACMG Guidelines, 2015. Collection method: clinical testing. Allele origin: germline. Inheritance: Autosomal recessive inheritance. Affected: no. Observed: 1 variant allele.

Revvity Omics, Revvity
Classification: Likely pathogenic for Hereditary spastic paraplegia 54. Last evaluated: 2022-09-12. Review status: criteria provided, single submitter. Criteria: ACMG Guidelines, 2015. Collection method: clinical testing. Allele origin: germline.